The following is an entry in ClinVar:

ClinVar aggregate classification (germline): Uncertain significance (1 of 4 stars; one submission).

Submission:

GeneDx
Classification: Uncertain significance. Last evaluated: 2025-04-14. Review status: criteria provided, single submitter. Criteria: GeneDx Variant Classification Process June 2021. Collection method: clinical testing. Allele origin: germline. Affected: yes.
Comment: Not observed at significant frequency in large population cohorts (gnomAD); In silico analysis supports that this missense variant has a deleterious effect on protein structure/function; Has not been previously published as pathogenic or benign to our knowledge

NM_001148.6(ANK2):c.4031T>G (p.Leu1344Trp)

Gene: ANK2 (ankyrin 2; plus strand). Cytogenetic location: 4q26.
Variant type: single nucleotide variant.
Coding change: c.4031T>G on transcript NM_001148.6 (MANE Select); coding-DNA position 4031, T replaced by G.
Protein change: p.Leu1344Trp; replaces leucine 1344 with tryptophan.
Molecular consequence: missense variant.
Genome position (GRCh38, 1-based): chr4:113,341,825, T>G. VCF-style: chr4-113341825-T-G. GRCh37 (hg19) VCF-style: chr4-114262981-T-G.
Other names: c.431T>G, p.Leu144Trp (NM_001386166.1, NM_001386167.1); c.4172T>G, p.Leu1391Trp (NM_001386174.1); c.4148T>G, p.Leu1383Trp (NM_001386175.1); c.4016T>G, p.Leu1339Trp (NM_001386186.2, NM_001386148.2); c.3896T>G, p.Leu1299Trp (NM_001386187.2); c.4031T>G, p.Leu1344Trp (NM_020977.5); c.4004T>G, p.Leu1335Trp (NM_001127493.3); c.4043T>G, p.Leu1348Trp (NM_001354225.2); and 31 more; short protein forms L1183W, L1216W, L1244W, L1249W, L1257W, L1269W, L1273W, L1277W.
Identifiers: ClinVar variation 4282188 (VCV004282188.1).